The following is an entry in ClinVar:

NM_025137.4(SPG11):c.5948A>T (p.Lys1983Ile)

Gene: SPG11 (SPG11 vesicle trafficking associated, spatacsin; minus strand). Cytogenetic location: 15q21.1.
Variant type: single nucleotide variant.
Coding change: c.5948A>T on transcript NM_025137.4 (MANE Select); coding-DNA position 5948, A replaced by T.
Protein change: p.Lys1983Ile; replaces lysine 1983 with isoleucine.
Molecular consequence: missense variant. On other transcripts: intron variant (1).
Genome position (GRCh38, 1-based): chr15:44,574,960, T>A on the plus strand (A>T on the coding strand, the complement: SPG11 is on the minus strand). VCF-style: chr15-44574960-T-A. GRCh37 (hg19) VCF-style: chr15-44867158-T-A.
Other names: c.5804A>T, p.Lys1935Ile (NM_001411132.1); c.5867-2140A>T (NM_001160227.2); short protein forms K1935I, K1983I.
Identifiers: ClinVar variation 2015983 (VCV002015983.1), dbSNP rs528018764, ClinGen allele CA7534304.
Genomic context (GRCh38, chr15:44,574,960, plus strand): 5'-ACCTTGGCAAGATCATACAGACAGAGGACCTGTCGACAGTAGTTCTTCCCATGGAGGCAT[T>A]TGCTTGTCAGCACTTCCAGGTTAGTTACCACTTCATTACTGGAGGGCACTGTCACAAACT-3'
Protein context (NP_079413.3, residues 1973-1993): VVTNLEVLTS[Lys1983Ile]CLHGKNYCRQ

ClinVar aggregate classification (germline): Uncertain significance (1 of 4 stars; one submission).

Conditions:
Hereditary spastic paraplegia 11. Also called: Nakamura Osame syndrome; Autosomal recessive hereditary spastic paraplegia, mental impairment, and thin corpus callosum; SPASTIC PARAPLEGIA, AUTOSOMAL RECESSIVE, COMPLICATED, WITH THIN CORPUS CALLOSUM; SPASTIC PARAPLEGIA, AUTOSOMAL RECESSIVE, WITH MENTAL IMPAIRMENT AND THIN CORPUS CALLOSUM; Spastic Paraplegia 11; Spastic paraplegia, mental retardation and thin corpus callosum. Identifiers: Orphanet 2822, MedGen C1858479, MONDO:0011445, OMIM 604360.

Allele frequency attached by ClinVar (database versions not stated): ExAC 0.00001.
gnomAD v4.1: 3 of 1,614,042 alleles (0.00019%); highest among the groups gnomAD compares: Non-Finnish European, 0.00025%; no homozygotes.

Submission:

Labcorp Genetics (formerly Invitae), Labcorp
Classification: Uncertain significance for Hereditary spastic paraplegia 11. Last evaluated: 2022-07-11. Review status: criteria provided, single submitter. Criteria: Invitae Variant Classification Sherloc (09022015). Collection method: clinical testing. Allele origin: germline.
Comment: This sequence change replaces lysine, which is basic and polar, with isoleucine, which is neutral and non-polar, at codon 1983 of the SPG11 protein (p.Lys1983Ile). This variant is present in population databases (rs528018764, gnomAD 0.0009%). This variant has not been reported in the literature in individuals affected with SPG11-related conditions. Algorithms developed to predict the effect of missense changes on protein structure and function are either unavailable or do not agree on the potential impact of this missense change (SIFT: "Deleterious"; PolyPhen-2: "Benign"; Align-GVGD: "Class C15"). In summary, the available evidence is currently insufficient to determine the role of this variant in disease. Therefore, it has been classified as a Variant of Uncertain Significance.